The following is an entry in ClinVar:

ClinVar aggregate classification (germline): Uncertain significance (1 of 4 stars; one submission).

Conditions:
Hereditary cancer-predisposing syndrome. Also called: Hereditary neoplastic syndrome; Neoplastic Syndromes, Hereditary; Hereditary Cancer Syndrome; Tumor predisposition. Identifiers: Orphanet 140162, MedGen C0027672, MeSH D009386, MONDO:0015356.

Submission:

Labcorp Genetics (formerly Invitae), Labcorp
Classification: Uncertain significance for Hereditary cancer-predisposing syndrome. Last evaluated: 2019-11-15. Review status: criteria provided, single submitter. Criteria: Invitae Variant Classification Sherloc (09022015). Collection method: clinical testing. Allele origin: germline.
Comment: Algorithms developed to predict the effect of missense changes on protein structure and function are either unavailable or do not agree on the potential impact of this missense change (SIFT: "Tolerated"; PolyPhen-2: "Possibly Damaging"; Align-GVGD: "Class C0"). This sequence change replaces lysine with glutamic acid at codon 108 of the RAD50 protein (p.Lys108Glu). The lysine residue is moderately conserved and there is a small physicochemical difference between lysine and glutamic acid. This variant is not present in population databases (ExAC no frequency). This variant has not been reported in the literature in individuals with RAD50-related conditions. In summary, the available evidence is currently insufficient to determine the role of this variant in disease. Therefore, it has been classified as a Variant of Uncertain Significance.

NM_005732.4(RAD50):c.322A>G (p.Lys108Glu)

Gene: RAD50 (RAD50 double strand break repair protein; plus strand). Cytogenetic location: 5q31.1.
Variant type: single nucleotide variant.
Coding change: c.322A>G on transcript NM_005732.4 (MANE Select); coding-DNA position 322, A replaced by G.
Protein change: p.Lys108Glu; replaces lysine 108 with glutamic acid.
Molecular consequence: missense variant.
Genome position (GRCh38, 1-based): chr5:132,575,885, A>G. VCF-style: chr5-132575885-A-G. GRCh37 (hg19) VCF-style: chr5-131911577-A-G.
Other names: short protein forms K108E.
Identifiers: ClinVar variation 966014 (VCV000966014.10), dbSNP rs1750389048, ClinGen allele CA360931213.